The following is an entry in ClinVar:

NM_001372044.2(SHANK3):c.2325-8C>A

Gene: SHANK3 (SH3 and multiple ankyrin repeat domains 3; plus strand). Cytogenetic location: 22q13.33.
Variant type: single nucleotide variant.
Coding change: c.2325-8C>A on transcript NM_001372044.2 (MANE Select); 8 bases into the intron before coding-DNA position 2325, C replaced by A.
Molecular consequence: intron variant.
Genome position (GRCh38, 1-based): chr22:50,714,909, C>A. VCF-style: chr22-50714909-C-A. GRCh37 (hg19) VCF-style: chr22-51153337-C-A.
Identifiers: ClinVar variation 2653418 (VCV002653418.24), dbSNP rs2083232178, ClinGen allele CA2657581039.

ClinVar aggregate classification (germline): Uncertain significance (1 of 4 stars; one submission).

Submission:

CeGaT Center for Human Genetics Tuebingen
Classification: Uncertain significance. Last evaluated: 2022-06-01. Review status: criteria provided, single submitter. Criteria: CeGaT Center For Human Genetics Tuebingen Variant Classification Criteria Version 2. Collection method: clinical testing. Allele origin: germline. Affected: yes. Observed: 1 variant allele.
Comment: SHANK3: PM2, BP4